The following is an entry in ClinVar:

NM_003611.3(OFD1):c.2414A>G (p.Gln805Arg)

Gene: OFD1 (OFD1 centriole and centriolar satellite protein; plus strand). Cytogenetic location: Xp22.2.
Variant type: single nucleotide variant.
Coding change: c.2414A>G on transcript NM_003611.3 (MANE Select); coding-DNA position 2414, A replaced by G.
Protein change: p.Gln805Arg; replaces glutamine 805 with arginine.
Molecular consequence: missense variant.
Genome position (GRCh38, 1-based): chrX:13,762,370, A>G. VCF-style: chrX-13762370-A-G. GRCh37 (hg19) VCF-style: chrX-13780489-A-G.
Other names: c.2294A>G, p.Gln765Arg (NM_001330209.2); c.1994A>G, p.Gln665Arg (NM_001330210.2); short protein forms Q765R, Q805R, Q665R.
Identifiers: ClinVar variation 2152449 (VCV002152449.4), dbSNP rs751465913, ClinGen allele CA10352006.

ClinVar aggregate classification (germline): Uncertain significance (1 of 4 stars; one submission).

Conditions:
Joubert syndrome. Also called: CEREBELLOPARENCHYMAL DISORDER IV; JOUBERT-BOLTSHAUSER SYNDROME; Familial aplasia of the vermis. Identifiers: Orphanet 475, MedGen C5979921, MONDO:0018772.
Orofaciodigital syndrome I (OFD1). Also called: OFDS I; Papillon-Leage and Psaume Syndrome; Oral-Facial-Digital Syndrome Type I. Identifiers: Orphanet 2750, MedGen C1510460, MONDO:0010702, OMIM 311200.

Allele frequency attached by ClinVar (database versions not stated): gnomAD exomes below 0.00001; TOPMed below 0.00001; ExAC 0.00001.
gnomAD v4.1: 3 of 1,200,626 alleles (0.00025%); highest among the groups gnomAD compares: Non-Finnish European, 0.00034%; no homozygotes.

Submission:

Labcorp Genetics (formerly Invitae), Labcorp
Classification: Uncertain significance for Orofaciodigital syndrome I; Joubert syndrome. Last evaluated: 2026-01-19. Review status: criteria provided, single submitter. Criteria: Invitae Variant Classification Sherloc (09022015). Collection method: clinical testing. Allele origin: germline.
Comment: This sequence change replaces glutamine, which is neutral and polar, with arginine, which is basic and polar, at codon 805 of the OFD1 protein (p.Gln805Arg). This variant is present in population databases (rs751465913, gnomAD 0.001%). This variant has not been reported in the literature in individuals affected with OFD1-related conditions. ClinVar contains an entry for this variant (Variation ID: 2152449). Invitae Evidence Modeling of protein sequence and biophysical properties (such as structural, functional, and spatial information, amino acid conservation, physicochemical variation, residue mobility, and thermodynamic stability) indicates that this missense variant is not expected to disrupt OFD1 protein function with a negative predictive value of 80%. In summary, the available evidence is currently insufficient to determine the role of this variant in disease. Therefore, it has been classified as a Variant of Uncertain Significance.